The following is an entry in ClinVar:

ClinVar aggregate classification (germline): Likely pathogenic (1 of 4 stars; one submission).

Conditions:
Pontocerebellar hypoplasia type 1A (PCH1A). Also called: PONTOCEREBELLAR HYPOPLASIA WITH ANTERIOR HORN CELL DISEASE; PONTOCEREBELLAR HYPOPLASIA WITH INFANTILE SPINAL MUSCULAR ATROPHY. Identifiers: Orphanet 2254, Orphanet 88616, MedGen C1843504, MONDO:0011866, OMIM 607596.

Submission:

Natera, Inc.
Classification: Likely pathogenic for Pontocerebellar hypoplasia, type 1a. Last evaluated: 2024-07-29. Review status: criteria provided, single submitter. Criteria: Natera Variant Classification Schema (03/2026). Collection method: clinical testing. Allele origin: germline.
Comment: The c.246del variant in VRK1 is a frameshift variant predicted to shift the reading frame beginning at codon 83 and leads to a stop codon 2 codons downstream. This variant is expected to result in nonsense mediated decay, truncation, or a dysfunctional protein product. This variant is rare in the general population with a frequency below the threshold expected for the associated phenotype(s). Given the available evidence, this variant is classified as Likely Pathogenic.

NM_003384.3(VRK1):c.246del (p.Glu83fs)

Gene: VRK1 (VRK serine/threonine kinase 1; plus strand). Cytogenetic location: 14q32.2.
Variant type: Deletion.
Coding change: c.246del on transcript NM_003384.3 (MANE Select); coding-DNA position 246, one base deleted (T; older notation c.246delT).
Protein change: p.Glu83fs; shifts the reading frame from glutamic acid 83.
Molecular consequence: frameshift variant.
Genome position (GRCh38, 1-based): chr14:96,846,124, T deleted. VCF-style (leftmost placement, unchanged base first): chr14-96846123-CT-C. GRCh37 (hg19) VCF-style: chr14-97312460-CT-C.
Other names: c.246del, p.Glu83fs (NM_001411051.1, NM_001411053.1); short protein forms E83fs.
Identifiers: ClinVar variation 4815116 (VCV004815116.1).
Genomic context (GRCh38, chr14:96,846,123, plus strand): 5'-CTGCTAGTACTAATTAACTCTTATATTTTAAGGAACCCAGTGACAATGGACCTCTTTTTA[CT>C]GAATTAAAGTTCTACCAACGAGCTGCAAAACCAGAGCAAAGTAAGAAATACAGTACACAT-3'